The following is an entry in ClinVar:

NM_000051.4(ATM):c.3741C>G (p.Phe1247Leu)

Gene: ATM (ATM serine/threonine kinase; plus strand). Cytogenetic location: 11q22.3.
Variant type: single nucleotide variant.
Coding change: c.3741C>G on transcript NM_000051.4 (MANE Select); coding-DNA position 3741, C replaced by G.
Protein change: p.Phe1247Leu; replaces phenylalanine 1247 with leucine.
Molecular consequence: missense variant.
Genome position (GRCh38, 1-based): chr11:108,282,874, C>G. VCF-style: chr11-108282874-C-G. GRCh37 (hg19) VCF-style: chr11-108153601-C-G.
Other names: c.3741C>G, p.Phe1247Leu (NM_001351834.2); short protein forms F1247L.
Identifiers: ClinVar variation 1734480 (VCV001734480.6), dbSNP rs780396420, ClinGen allele CA382523857.

ClinVar aggregate classification (germline): Uncertain significance. Review status: criteria provided, multiple submitters, no conflicts (2 of 4 stars). 2 submissions from 2 submitters: Uncertain significance (2). Last evaluated 2024-05-01.

Conditions:
Hereditary cancer-predisposing syndrome. Also called: Neoplastic Syndromes, Hereditary; Tumor predisposition; Hereditary Cancer Syndrome; Hereditary neoplastic syndrome. Identifiers: Orphanet 140162, MedGen C0027672, MeSH D009386, MONDO:0015356.
Ataxia-telangiectasia syndrome (AT). Also called: LOUIS-BAR SYNDROME; Cerebello-oculocutaneous telangiectasia; Immunodeficiency with ataxia telangiectasia; Ataxia-telangiectasia, complementation group D; AT, COMPLEMENTATION GROUP C; ATAXIA-TELANGIECTASIA, COMPLEMENTATION GROUP A. Identifiers: Orphanet 100, MedGen C0004135, MONDO:0008840, OMIM 208900.

Submissions (2):

Ambry Genetics
Classification: Uncertain significance for Hereditary cancer-predisposing syndrome. Last evaluated: 2024-05-01. Review status: criteria provided, single submitter. Criteria: Ambry Variant Classification Scheme 2023. Collection method: clinical testing. Allele origin: germline.
Comment: The p.F1247L variant (also known as c.3741C>G), located in coding exon 24 of the ATM gene, results from a C to G substitution at nucleotide position 3741. The phenylalanine at codon 1247 is replaced by leucine, an amino acid with highly similar properties. This amino acid position is highly conserved in available vertebrate species. In addition, this alteration is predicted to be deleterious by in silico analysis. Since supporting evidence is limited at this time, the clinical significance of this alteration remains unclear.

Labcorp Genetics (formerly Invitae), Labcorp
Classification: Uncertain significance for Ataxia-telangiectasia syndrome. Last evaluated: 2023-07-17. Review status: criteria provided, single submitter. Criteria: Invitae Variant Classification Sherloc (09022015). Collection method: clinical testing. Allele origin: germline.
Comment: In summary, the available evidence is currently insufficient to determine the role of this variant in disease. Therefore, it has been classified as a Variant of Uncertain Significance. An algorithm developed to predict the effect of missense changes on protein structure and function (PolyPhen-2) suggests that this variant is likely to be disruptive. ClinVar contains an entry for this variant (Variation ID: 1734480). This variant has not been reported in the literature in individuals affected with ATM-related conditions. This variant is not present in population databases (gnomAD no frequency). This sequence change replaces phenylalanine, which is neutral and non-polar, with leucine, which is neutral and non-polar, at codon 1247 of the ATM protein (p.Phe1247Leu).